The following is an entry in ClinVar:

NM_130837.3(OPA1):c.2829_2837del (p.Ile944_Ala946del)

Gene: OPA1 (OPA1 mitochondrial dynamin like GTPase; plus strand). Cytogenetic location: 3q29.
Variant type: Deletion.
Coding change: c.2829_2837del on transcript NM_130837.3 (MANE Select); coding-DNA positions 2829 to 2837, 9 bases deleted (TATCACCGC; older notation c.2829_2837delTATCACCGC).
Protein change: p.Ile944_Ala946del.
Genome position (GRCh38, 1-based): chr3:193,666,346-193,666,354, TATCACCGC deleted; deleting any 9 consecutive bases within chr3:193,666,344-193,666,354 gives the same sequence; the c. name uses the placement nearest the transcript's 3' end. VCF-style (leftmost placement, unchanged base first): chr3-193666343-TGCTATCACC-T. GRCh37 (hg19) VCF-style: chr3-193384132-TGCTATCACC-T.
Other names: c.2295_2303del, p.Ile766_Ala768del (NM_001354663.2); c.2292_2300del, p.Ile765_Ala767del (NM_001354664.2); c.2664_2672del, p.Ile889_Ala891del (NM_015560.3); c.2556_2564del, p.Ile853_Ala855del (NM_130831.3); c.2610_2618del, p.Ile871_Ala873del (NM_130832.3); c.2667_2675del, p.Ile890_Ala892del (NM_130833.3); c.2718_2726del, p.Ile907_Ala909del (NM_130834.3); c.2721_2729del, p.Ile908_Ala910del (NM_130835.3); and 1 more.
Identifiers: ClinVar variation 3725165 (VCV003725165.2).

ClinVar aggregate classification (germline): Uncertain significance (1 of 4 stars; one submission).

Submission:

Labcorp Genetics (formerly Invitae), Labcorp
Classification: Uncertain significance. Last evaluated: 2024-11-13. Review status: criteria provided, single submitter. Criteria: Invitae Variant Classification Sherloc (09022015). Collection method: clinical testing. Allele origin: germline.
Comment: This variant, c.2664_2672del, results in the deletion of 3 amino acid(s) of the OPA1 protein (p.Ile889_Ala891del), but otherwise preserves the integrity of the reading frame. This variant is not present in population databases (gnomAD no frequency). This variant has not been reported in the literature in individuals affected with OPA1-related conditions. Experimental studies and prediction algorithms are not available or were not evaluated, and the functional significance of this variant is currently unknown. In summary, the available evidence is currently insufficient to determine the role of this variant in disease. Therefore, it has been classified as a Variant of Uncertain Significance.